The following is an entry in ClinVar:

NM_003673.4(TCAP):c.445C>G (p.Pro149Ala)

Gene: TCAP (titin-cap; plus strand). Cytogenetic location: 17q12.
Variant type: single nucleotide variant.
Coding change: c.445C>G on transcript NM_003673.4 (MANE Select); coding-DNA position 445, C replaced by G.
Protein change: p.Pro149Ala; replaces proline 149 with alanine.
Molecular consequence: missense variant.
Genome position (GRCh38, 1-based): chr17:39,666,050, C>G. VCF-style: chr17-39666050-C-G. GRCh37 (hg19) VCF-style: chr17-37822303-C-G.
Other names: short protein forms P149A.
Identifiers: ClinVar variation 1003354 (VCV001003354.11), dbSNP rs932397209, ClinGen allele CA290434185.

ClinVar aggregate classification (germline): Uncertain significance. Review status: criteria provided, multiple submitters, no conflicts (2 of 4 stars). 3 submissions from 3 submitters: Uncertain significance (3). Last evaluated 2025-06-19.

Conditions:
Cardiovascular phenotype. Identifiers: MedGen CN230736.
Primary familial hypertrophic cardiomyopathy (HCM). Identifiers: Orphanet 99739, MedGen C0949658, MeSH D024741, MONDO:0024573. Inheritance: Various modes of inheritance.
Hypertrophic cardiomyopathy 25 (CMH25). Also called: CARDIOMYOPATHY, FAMILIAL HYPERTROPHIC, 25. Identifiers: MedGen C4225408, MONDO:0011843, OMIM 607487.

Allele frequency attached by ClinVar (database versions not stated): gnomAD exomes below 0.00001; TOPMed below 0.00001.
gnomAD v4.1: 1 of 1,608,330 alleles (0.000062%); highest among the groups gnomAD compares: East Asian, 0.0022%; no homozygotes.

Submissions (3):

Ambry Genetics
Classification: Uncertain significance for Cardiovascular phenotype. Last evaluated: 2025-06-19. Review status: criteria provided, single submitter. Criteria: Ambry Variant Classification Scheme 2023. Collection method: clinical testing. Allele origin: germline.

Women's Health and Genetics/Laboratory Corporation of America, LabCorp
Classification: Uncertain significance. Last evaluated: 2024-03-12. Review status: criteria provided, single submitter. Criteria: LabCorp Variant Classification Summary - May 2015. Collection method: clinical testing. Allele origin: germline.
Comment: Variant summary: TCAP c.445C>G (p.Pro149Ala) results in a non-conservative amino acid change in the encoded protein sequence. Four of five in-silico tools predict a damaging effect of the variant on protein function. The variant was absent in 245074 control chromosomes. The available data on variant occurrences in the general population are insufficient to allow any conclusion about variant significance. To our knowledge, no occurrence of c.445C>G in individuals affected with Cardiomyopathy and no experimental evidence demonstrating its impact on protein function have been reported. ClinVar contains an entry for this variant (Variation ID: 1003354). Based on the evidence outlined above, the variant was classified as uncertain significance.

Labcorp Genetics (formerly Invitae), Labcorp
Classification: Uncertain significance for Hypertrophic cardiomyopathy 25; Primary familial hypertrophic cardiomyopathy. Last evaluated: 2021-09-01. Review status: criteria provided, single submitter. Criteria: Invitae Variant Classification Sherloc (09022015). Collection method: clinical testing. Allele origin: germline.
Comment: This sequence change replaces proline with alanine at codon 149 of the TCAP protein (p.Pro149Ala). The proline residue is moderately conserved and there is a small physicochemical difference between proline and alanine. This variant is not present in population databases (ExAC no frequency). This variant has not been reported in the literature in individuals affected with TCAP-related conditions. Algorithms developed to predict the effect of missense changes on protein structure and function are either unavailable or do not agree on the potential impact of this missense change (SIFT: "Tolerated"; PolyPhen-2: "Probably Damaging"; Align-GVGD: "Class C0"). In summary, the available evidence is currently insufficient to determine the role of this variant in disease. Therefore, it has been classified as a Variant of Uncertain Significance.